The following is an entry in ClinVar:

NM_001286445.3(RIPOR2):c.2981C>T (p.Thr994Ile)

Gene: RIPOR2 (RHO family interacting cell polarization regulator 2; minus strand). Cytogenetic location: 6p22.3.
Variant type: single nucleotide variant.
Coding change: c.2981C>T on transcript NM_001286445.3 (MANE Select); coding-DNA position 2981, C replaced by T.
Protein change: p.Thr994Ile; replaces threonine 994 with isoleucine.
Molecular consequence: missense variant.
Genome position (GRCh38, 1-based): chr6:24,809,779, G>A on the plus strand (C>T on the coding strand, the complement: RIPOR2 is on the minus strand). VCF-style: chr6-24809779-G-A. GRCh37 (hg19) VCF-style: chr6-24810007-G-A.
Other names: c.3044C>T (NM_014722.3); c.2894C>T, p.Thr965Ile (NM_001346031.2, NM_001346032.2); c.3044C>T, p.Thr1015Ile (NM_014722.5); short protein forms T994I, T965I, T1015I.
Identifiers: ClinVar variation 3154630 (VCV003154630.5), dbSNP rs146500719, ClinGen allele CA3659051.
Genomic context (GRCh38, chr6:24,809,779, plus strand): 5'-AGAGACAAGAGGGTTTCTGAGGCCACATTTCTGATTTCTTCAGTATCAGATTGACACAAT[G>A]TCACCAGCATTTTAATGCTTTCAGTAGCCTATGGGGGAAAAATAGGTTAAATCGTGTTTT-3'
Protein context (NP_001273374.1, residues 984-1004): EATESIKMLV[Thr994Ile]LCQSDTEEIR

ClinVar aggregate classification (germline): Uncertain significance. Review status: criteria provided, multiple submitters, no conflicts (2 of 4 stars). 3 submissions from 3 submitters: Uncertain significance (3). Last evaluated 2025-02-06.

Allele frequency attached by ClinVar (database versions not stated): TOPMed 0.00021; ESP Exome Variant Server 0.00088; 1000 Genomes Project 30x 0.00016; ExAC 0.00018; gnomAD 0.00019; 1000 Genomes Project 0.00020; gnomAD exomes 0.00001.
gnomAD v4.1: 49 of 1,550,574 alleles (0.0032%); highest among the groups gnomAD compares: African/African-American, 0.059%; no homozygotes.

Submissions (3):

GeneDx
Classification: Uncertain significance. Last evaluated: 2025-02-06. Review status: criteria provided, single submitter. Criteria: GeneDx Variant Classification Process June 2021. Collection method: clinical testing. Allele origin: germline.
Comment: In silico analysis indicates that this missense variant does not alter protein structure/function; Has not been previously published as pathogenic or benign to our knowledge

Labcorp Genetics (formerly Invitae), Labcorp
Classification: Uncertain significance. Last evaluated: 2024-11-22. Review status: criteria provided, single submitter. Criteria: Invitae Variant Classification Sherloc (09022015). Collection method: clinical testing. Allele origin: germline.
Comment: This sequence change replaces threonine, which is neutral and polar, with isoleucine, which is neutral and non-polar, at codon 1015 of the FAM65B protein (p.Thr1015Ile). This variant is present in population databases (rs146500719, gnomAD 0.1%), and has an allele count higher than expected for a pathogenic variant. This variant has not been reported in the literature in individuals affected with FAM65B-related conditions. ClinVar contains an entry for this variant (Variation ID: 3154630). An algorithm developed to predict the effect of missense changes on protein structure and function (PolyPhen-2) suggests that this variant is likely to be tolerated. In summary, the available evidence is currently insufficient to determine the role of this variant in disease. Therefore, it has been classified as a Variant of Uncertain Significance.

Ambry Genetics
Classification: Uncertain significance. Last evaluated: 2021-08-17. Review status: criteria provided, single submitter. Criteria: Ambry Variant Classification Scheme 2023. Collection method: clinical testing. Allele origin: germline.